The following is an entry in ClinVar:

ClinVar aggregate classification (germline): Uncertain significance (1 of 4 stars; one submission).

Submission:

Labcorp Genetics (formerly Invitae), Labcorp
Classification: Uncertain significance. Last evaluated: 2021-09-01. Review status: criteria provided, single submitter. Criteria: Invitae Variant Classification Sherloc (09022015). Collection method: clinical testing. Allele origin: germline.
Comment: This sequence change replaces proline with leucine at codon 13 of the CD55 protein (p.Pro13Leu). The proline residue is weakly conserved and there is a moderate physicochemical difference between proline and leucine. The frequency data for this variant in the population databases is considered unreliable, as metrics indicate insufficient coverage at this position in the ExAC database. This variant has not been reported in the literature in individuals affected with CD55-related conditions. Algorithms developed to predict the effect of missense changes on protein structure and function (SIFT, PolyPhen-2, Align-GVGD) all suggest that this variant is likely to be tolerated. In summary, the available evidence is currently insufficient to determine the role of this variant in disease. Therefore, it has been classified as a Variant of Uncertain Significance.

NM_000574.5(CD55):c.38C>T (p.Pro13Leu)

Gene: CD55 (CD55 molecule (Cromer blood group); plus strand). Cytogenetic location: 1q32.2.
Variant type: single nucleotide variant.
Coding change: c.38C>T on transcript NM_000574.5 (MANE Select); coding-DNA position 38, C replaced by T.
Protein change: p.Pro13Leu; replaces proline 13 with leucine.
Molecular consequence: missense variant. On other transcripts: non-coding transcript variant (1).
Genome position (GRCh38, 1-based): chr1:207,321,803, C>T. VCF-style: chr1-207321803-C-T. GRCh37 (hg19) VCF-style: chr1-207495148-C-T.
Other names: c.38C>T, p.Pro13Leu (NM_001114752.3, NM_001300902.2, NM_001300903.2 and 1 more transcripts); short protein forms P13L.
Identifiers: ClinVar variation 1463946 (VCV001463946.5), dbSNP rs2102369616, ClinGen allele CA344514627.